The following is an entry in ClinVar:

NM_001698.3(AUH):c.535A>G (p.Ile179Val)

Gene: AUH (AU RNA binding methylglutaconyl-CoA hydratase; minus strand). Cytogenetic location: 9q22.31.
Variant type: single nucleotide variant.
Coding change: c.535A>G on transcript NM_001698.3 (MANE Select); coding-DNA position 535, A replaced by G.
Protein change: p.Ile179Val; replaces isoleucine 179 with valine.
Molecular consequence: missense variant.
Genome position (GRCh38, 1-based): chr9:91,298,047, T>C on the plus strand (A>G on the coding strand, the complement: AUH is on the minus strand). VCF-style: chr9-91298047-T-C. GRCh37 (hg19) VCF-style: chr9-94060329-T-C.
Other names: p.I179V:ATA>GTA; c.448A>G, p.Ile150Val (NM_001306190.2); c.208A>G, p.Ile70Val (NM_001351431.2, NM_001351432.2, NM_001351433.2); short protein forms I179V, I150V, I70V.
Identifiers: ClinVar variation 214151 (VCV000214151.2), dbSNP rs776023761, ClinGen allele CA324062.

ClinVar aggregate classification (germline): Uncertain significance (1 of 4 stars; one submission).

Allele frequency attached by ClinVar (database versions not stated): ExAC 0.00001; gnomAD exomes 0.00001 and 0.00003; TOPMed 0.00001; gnomAD 0.00002.
gnomAD v4.1: 49 of 1,613,832 alleles (0.003%); highest among the groups gnomAD compares: Non-Finnish European, 0.0033%; no homozygotes.

Submission:

GeneDx
Classification: Uncertain significance. Last evaluated: 2013-10-22. Review status: criteria provided, single submitter. Criteria: GeneDx Variant Classification (06012015). Collection method: clinical testing. Allele origin: germline. Affected: yes.
Comment: p.Ile179Val (ATA>GTA): c.535 A>G in exon 5 of the AUH gene (NM_001698.2). The I179V missense substitution has not been published as a mutation, nor has it been reported as a benign polymorphism to our knowledge. The amino acid change is conservative as both Isoleucine and Valine are uncharged, non-polar amino acids. This change occurs at a position in the AUH protein that is not highly conserved, but amino acids with similar properties as Isoleucine are conserved at this position. In-silico analyses are not consistent in their predictions of whether or not I179V is damaging to the AUH protein. Therefore, based on the currently available information, it is unclear whether I179V is a disease-causing mutation or a rare benign variant. The variant is found in MITONUC-MITOP panel(s).